The following is an entry in ClinVar:

ClinVar aggregate classification (germline): Uncertain significance. Review status: criteria provided, multiple submitters, no conflicts (2 of 4 stars). 4 submissions from 4 submitters: Uncertain significance (3). 1 of the submissions does not count toward it. Last evaluated 2026-02-11.

Conditions:
Mosaic variegated aneuploidy syndrome 1 (MVA1). Also called: Warburton-Anyane-Yeboa syndrome. Identifiers: Orphanet 1052, MedGen C1850343, MONDO:0009759, OMIM 257300.

Allele frequency attached by ClinVar (database versions not stated): gnomAD 0.00001; gnomAD exomes 0.00001; TOPMed 0.00002.
gnomAD v4.1: 6 of 1,614,024 alleles (0.00037%); highest among the groups gnomAD compares: Admixed American, 0.01%; no homozygotes.

Submissions (4):

St. Jude Molecular Pathology, St. Jude Children's Research Hospital
Classification: Uncertain significance for Mosaic variegated aneuploidy syndrome 1. Last evaluated: 2026-02-11. Review status: criteria provided, single submitter. Criteria: St. Jude Assertion Criteria 2020. Collection method: clinical testing. Allele origin: germline.
Comment: The BUB1B c.676A>C p.(Thr226Pro) missense change has a maximum subpopulation frequency of 0.0087% in gnomAD v2.1.1. The in silico tool REVEL predicts a benign effect on protein function, but to our knowledge this prediction has not been confirmed by functional studies. To our knowledge, this variant has not been reported in individuals with mosaic variegated aneuploidy syndrome. In summary, the evidence currently available is insufficient to determine the role of this variant in mosaic variegated aneuploidy syndrome. It has therefore been classified as of uncertain significance.

Labcorp Genetics (formerly Invitae), Labcorp
Classification: Uncertain significance for Mosaic variegated aneuploidy syndrome 1. Last evaluated: 2025-06-30. Review status: criteria provided, single submitter. Criteria: Invitae Variant Classification Sherloc (09022015). Collection method: clinical testing. Allele origin: germline.
Comment: This sequence change replaces threonine, which is neutral and polar, with proline, which is neutral and non-polar, at codon 226 of the BUB1B protein (p.Thr226Pro). This variant is present in population databases (rs587778146, gnomAD 0.009%). This variant has not been reported in the literature in individuals affected with BUB1B-related conditions. ClinVar contains an entry for this variant (Variation ID: 133775). An algorithm developed to predict the effect of missense changes on protein structure and function (PolyPhen-2) suggests that this variant is likely to be disruptive. In summary, the available evidence is currently insufficient to determine the role of this variant in disease. Therefore, it has been classified as a Variant of Uncertain Significance.

GeneDx
Classification: Uncertain significance. Last evaluated: 2025-02-26. Review status: criteria provided, single submitter. Criteria: GeneDx Variant Classification Process June 2021. Collection method: clinical testing. Allele origin: germline. Affected: yes.
Comment: In silico analysis indicates that this missense variant does not alter protein structure/function; This variant is associated with the following publications: (PMID: 24728327)

ITMI
No classification provided. Condition: AllHighlyPenetrant. Last evaluated: 2013-09-19. Review status: no classification provided. Collection method: reference population. Allele origin: germline. Not counted in ClinVar's aggregate classification.
Comment: Please see associated publication for description of ethnicities

Literature cited by the submitters: PubMed 24728327 (cited by ITMI).

NM_001211.6(BUB1B):c.676A>C (p.Thr226Pro)

Gene: BUB1B (BUB1 mitotic checkpoint serine/threonine kinase B; plus strand). Cytogenetic location: 15q15.1.
Variant type: single nucleotide variant.
Coding change: c.676A>C on transcript NM_001211.6 (MANE Select); coding-DNA position 676, A replaced by C.
Protein change: p.Thr226Pro; replaces threonine 226 with proline.
Molecular consequence: missense variant.
Genome position (GRCh38, 1-based): chr15:40,183,808, A>C. VCF-style: chr15-40183808-A-C. GRCh37 (hg19) VCF-style: chr15-40476009-A-C.
Other names: short protein forms T226P.
Identifiers: ClinVar variation 133775 (VCV000133775.14), dbSNP rs587778146, ClinGen allele CA157777.
Genomic context (GRCh38, chr15:40,183,808, plus strand): 5'-TTGGCACTTGAGAAAGAAGAAGAGGAGGAAGTTTTTGAGTCTTCTGTACCACAACGAAGC[A>C]CACTAGCTGAACTAAAGAGCAAAGGGAAAAAGACAGCAAGAGCTCCAATCATCCGTGTAG-3'
Protein context (NP_001202.5, residues 216-236): VFESSVPQRS[Thr226Pro]LAELKSKGKK